The following is an entry in ClinVar:

ClinVar aggregate classification (germline): Uncertain significance. Review status: criteria provided, multiple submitters, no conflicts (2 of 4 stars). 3 submissions from 3 submitters: Uncertain significance (3). Last evaluated 2025-09-10.

Conditions:
Cardiovascular phenotype. Identifiers: MedGen CN230736.
Long QT syndrome (LQTS). Identifiers: MedGen C0023976, MeSH D008133, MONDO:0002442. Disease mechanism: loss of function. Inheritance: Various modes of inheritance.

Submissions (3):

Ambry Genetics
Classification: Uncertain significance for Cardiovascular phenotype. Last evaluated: 2025-09-10. Review status: criteria provided, single submitter. Criteria: Ambry Variant Classification Scheme 2023. Collection method: clinical testing. Allele origin: germline.

Labcorp Genetics (formerly Invitae), Labcorp
Classification: Uncertain significance for Long QT syndrome. Last evaluated: 2022-10-22. Review status: criteria provided, single submitter. Criteria: Invitae Variant Classification Sherloc (09022015). Collection method: clinical testing. Allele origin: germline.
Comment: This sequence change replaces histidine, which is basic and polar, with leucine, which is neutral and non-polar, at codon 6 of the CAV3 protein (p.His6Leu). This variant is not present in population databases (gnomAD no frequency). This variant has not been reported in the literature in individuals affected with CAV3-related conditions. ClinVar contains an entry for this variant (Variation ID: 1163825). Algorithms developed to predict the effect of missense changes on protein structure and function (SIFT, PolyPhen-2, Align-GVGD) all suggest that this variant is likely to be tolerated. In summary, the available evidence is currently insufficient to determine the role of this variant in disease. Therefore, it has been classified as a Variant of Uncertain Significance.

Mayo Clinic Laboratories, Mayo Clinic
Classification: Uncertain significance. Last evaluated: 2020-05-27. Review status: criteria provided, single submitter. Criteria: ACMG Guidelines, 2015. Collection method: clinical testing. Allele origin: germline. Observed: 1 variant allele.

NM_033337.3(CAV3):c.17A>T (p.His6Leu)

Gene: CAV3 (caveolin 3; plus strand). Cytogenetic location: 3p25.3.
Variant type: single nucleotide variant.
Coding change: c.17A>T on transcript NM_033337.3 (MANE Select); coding-DNA position 17, A replaced by T.
Protein change: p.His6Leu; replaces histidine 6 with leucine.
Molecular consequence: missense variant.
Genome position (GRCh38, 1-based): chr3:8,733,893, A>T. VCF-style: chr3-8733893-A-T. GRCh37 (hg19) VCF-style: chr3-8775579-A-T.
Other names: c.17A>T, p.His6Leu (NM_001234.5); short protein forms H6L.
Identifiers: ClinVar variation 1163825 (VCV001163825.8), dbSNP rs1233979640, ClinGen allele CA351661179.